The following is an entry in ClinVar:

ClinVar aggregate classification (germline): Conflicting classifications of pathogenicity. Review status: criteria provided, conflicting classifications (1 of 4 stars). 3 submissions from 3 submitters: Uncertain significance (1); Benign (1); Likely benign (1). Last evaluated 2025-12-24.

Conditions:
Inborn genetic diseases. Identifiers: MedGen C0950123, MeSH D030342.
X-linked severe congenital neutropenia (SCNX). Identifiers: Orphanet 86788, MedGen C1845987, MONDO:0010294, OMIM 300299.
Thrombocytopenia 1. Also called: THROMBOCYTOPENIA, X-LINKED, 1; X-linked thrombocytopenia with normal platelets; X-Linked Thrombocytopenia (XLT). Identifiers: Orphanet 268322, Orphanet 852, MedGen C1839163, MONDO:0010743, OMIM 313900.
Wiskott-Aldrich syndrome (WAS). Also called: Wiskott-aldrich syndrome, somatic; ALDRICH SYNDROME; IMMUNODEFICIENCY 2; WISKOTT-ALDRICH SYNDROME 1. Identifiers: Orphanet 906, MedGen C0043194, MONDO:0010518, OMIM 301000.

Allele frequency attached by ClinVar (database versions not stated): ExAC 0.00002; gnomAD 0.00002; gnomAD exomes 0.00003.
gnomAD v4.1: 32 of 1,204,667 alleles (0.0027%); highest among the groups gnomAD compares: South Asian, 0.054%; no homozygotes.

Submissions (3):

Women's Health and Genetics/Laboratory Corporation of America, LabCorp
Classification: Likely benign. Last evaluated: 2025-12-24. Review status: criteria provided, single submitter. Criteria: LabCorp Variant Classification Summary - May 2015. Collection method: clinical testing. Allele origin: germline.
Comment: Variant summary: WAS c.765G>C (p.Gln255His) results in a non-conservative amino acid change in the encoded protein sequence. Algorithms developed to predict the effect of missense changes on protein structure and function all suggest that this variant is likely to be disruptive. The variant allele was found at a frequency of 4.7e-05 in 170641 control chromosomes, including 5 hemizygotes. To our knowledge, no occurrence of c.765G>C in individuals affected with WAS-related conditions and no experimental evidence demonstrating its impact on protein function have been reported. ClinVar contains an entry for this variant (Variation ID: 2058862). Based on the evidence outlined above, the variant was classified as likely benign.

Labcorp Genetics (formerly Invitae), Labcorp
Classification: Benign for Wiskott-Aldrich syndrome; X-linked severe congenital neutropenia; Thrombocytopenia 1. Last evaluated: 2025-12-02. Review status: criteria provided, single submitter. Criteria: Invitae Variant Classification Sherloc (09022015). Collection method: clinical testing. Allele origin: germline.

Ambry Genetics
Classification: Uncertain significance for Inborn genetic diseases. Last evaluated: 2021-10-20. Review status: criteria provided, single submitter. Criteria: Ambry Variant Classification Scheme 2023. Collection method: clinical testing. Allele origin: germline.

NM_000377.3(WAS):c.765G>C (p.Gln255His)

Gene: WAS (WASP actin nucleation promoting factor; plus strand). Cytogenetic location: Xp11.23.
Variant type: single nucleotide variant.
Coding change: c.765G>C on transcript NM_000377.3 (MANE Select); coding-DNA position 765, G replaced by C.
Protein change: p.Gln255His; replaces glutamine 255 with histidine.
Molecular consequence: missense variant.
Genome position (GRCh38, 1-based): chrX:48,688,084, G>C. VCF-style: chrX-48688084-G-C. GRCh37 (hg19) VCF-style: chrX-48546473-G-C.
Other names: short protein forms Q255H.
Identifiers: ClinVar variation 2058862 (VCV002058862.6), dbSNP rs782631956, ClinGen allele CA10403980.